The following is an entry in ClinVar:

NM_001371904.1(APOA5):c.598A>T (p.Ser200Cys)

Gene: APOA5 (apolipoprotein A5; minus strand). Cytogenetic location: 11q23.3.
Variant type: single nucleotide variant.
Coding change: c.598A>T on transcript NM_001371904.1 (MANE Select); coding-DNA position 598, A replaced by T.
Protein change: p.Ser200Cys; replaces serine 200 with cysteine.
Molecular consequence: missense variant.
Genome position (GRCh38, 1-based): chr11:116,790,631, T>A on the plus strand (A>T on the coding strand, the complement: APOA5 is on the minus strand). VCF-style: chr11-116790631-T-A. GRCh37 (hg19) VCF-style: chr11-116661347-T-A.
Other names: c.598A>T, p.Ser200Cys (NM_001166598.2, NM_052968.5); short protein forms S200C.
Identifiers: ClinVar variation 3414453 (VCV003414453.1).

ClinVar aggregate classification (germline): Uncertain significance (1 of 4 stars; one submission).

Conditions:
Cardiovascular phenotype. Identifiers: MedGen CN230736.

Submission:

Ambry Genetics
Classification: Uncertain significance for Cardiovascular phenotype. Last evaluated: 2024-10-27. Review status: criteria provided, single submitter. Criteria: Ambry Variant Classification Scheme 2023. Collection method: clinical testing. Allele origin: germline.
Comment: The p.S200C variant (also known as c.598A>T), located in coding exon 3 of the APOA5 gene, results from an A to T substitution at nucleotide position 598. The serine at codon 200 is replaced by cysteine, an amino acid with dissimilar properties. This amino acid position is conserved. In addition, this alteration is predicted to be tolerated by in silico analysis. Based on the available evidence, the clinical significance of this variant remains unclear.